The following is an entry in ClinVar:

ClinVar aggregate classification (germline): Uncertain significance. Review status: reviewed by expert panel (3 of 4 stars). 2 submissions from 2 submitters: Uncertain significance (1). 1 of the submissions does not count toward it. Last evaluated 2024-10-29.

Conditions:
Hereditary thrombocytopenia and hematologic cancer predisposition syndrome. Identifiers: Orphanet 71290, MedGen CN281654, MONDO:0011071.
Hereditary thrombocytopenia and hematological cancer predisposition syndrome associated with RUNX1. Also called: Familial Platelet Disorder with Propensity to Acute Myelogenous Leukemia; Familial thrombocytopenia with propensity to acute myelogenous leukemia; PLATELET DISORDER, ASPIRIN-LIKE; RUNX1 Familial Platelet Disorder with Associated Myeloid Malignancies. Identifiers: Orphanet 71290, MedGen C1832388, MeSH C563324, MONDO:0100083, OMIM 601399.

gnomAD v4.1: 3 of 1,610,922 alleles (0.00019%); highest among the groups gnomAD compares: Non-Finnish European, 0.00025%; no homozygotes.

Submissions (2):

ClinGen Myeloid Malignancy Variant Curation Expert Panel
Classification: Uncertain significance for Hereditary thrombocytopenia and hematologic cancer predisposition syndrome. Last evaluated: 2024-10-29. Review status: reviewed by expert panel. Criteria: ClinGen MyeloMalig ACMG Specifications v2. Collection method: curation. Allele origin: germline. Inheritance: Autosomal dominant inheritance.
Comment: NM_001754.5(RUNX1):c.226C>T (p.Arg76Cys) is a missense variant which has a REVEL score ≥ 0.88 (0.911) (PP3). In summary, the clinical significance of this variant is uncertain. ACMG/AMP criteria applied, as specified by the Myeloid Malignancy Variant Curation Expert Panel for RUNX1: PP3.

Labcorp Genetics (formerly Invitae), Labcorp
Classification: Uncertain significance for Hereditary thrombocytopenia and hematological cancer predisposition syndrome associated with RUNX1. Last evaluated: 2025-07-31. Review status: criteria provided, single submitter. Criteria: Invitae Variant Classification Sherloc (09022015). Collection method: clinical testing. Allele origin: germline. Not counted in ClinVar's aggregate classification.
Comment: This sequence change replaces arginine, which is basic and polar, with cysteine, which is neutral and slightly polar, at codon 76 of the RUNX1 protein (p.Arg76Cys). This variant is not present in population databases (gnomAD no frequency). This variant has not been reported in the literature in individuals affected with RUNX1-related conditions. ClinVar contains an entry for this variant (Variation ID: 576717). Invitae Evidence Modeling of protein sequence and biophysical properties (such as structural, functional, and spatial information, amino acid conservation, physicochemical variation, residue mobility, and thermodynamic stability) has been performed for this missense variant. However, the output from this modeling did not meet the statistical confidence thresholds required to predict the impact of this variant on RUNX1 protein function. In summary, the available evidence is currently insufficient to determine the role of this variant in disease. Therefore, it has been classified as a Variant of Uncertain Significance.

NM_001754.5(RUNX1):c.226C>T (p.Arg76Cys)

Gene: RUNX1 (RUNX family transcription factor 1; minus strand). Cytogenetic location: 21q22.12.
Variant type: single nucleotide variant.
Coding change: c.226C>T on transcript NM_001754.5 (MANE Select); coding-DNA position 226, C replaced by T.
Protein change: p.Arg76Cys; replaces arginine 76 with cysteine.
Molecular consequence: missense variant.
Genome position (GRCh38, 1-based): chr21:34,886,968, G>A on the plus strand (C>T on the coding strand, the complement: RUNX1 is on the minus strand). VCF-style: chr21-34886968-G-A. GRCh37 (hg19) VCF-style: chr21-36259265-G-A.
Other names: NM_001754.5(RUNX1):c.226C>T; p.Arg76Cys; c.145C>T, p.Arg49Cys (NM_001001890.3, NM_001122607.2); short protein forms R76C, R49C.
Identifiers: ClinVar variation 576717 (VCV000576717.9), dbSNP rs1487924415, ClinGen allele CA410203854.